The following is an entry in ClinVar:

NM_000969.5(RPL5):c.556G>C (p.Glu186Gln)

Genes: DIPK1A (divergent protein kinase domain 1A; minus strand), RPL5 (ribosomal protein L5; plus strand). Cytogenetic location: 1p22.1.
Variant type: single nucleotide variant.
Coding change: c.556G>C on transcript NM_000969.5 (MANE Select); coding-DNA position 556, G replaced by C.
Protein change: p.Glu186Gln; replaces glutamic acid 186 with glutamine.
Molecular consequence: missense variant. On other transcripts: non-coding transcript variant (1), intron variant (1).
Genome position (GRCh38, 1-based): chr1:92,837,484, G>C. VCF-style: chr1-92837484-G-C. GRCh37 (hg19) VCF-style: chr1-93303041-G-C.
Other names: c.475-4450C>G (NM_001252273.2); short protein forms E186Q.
Identifiers: ClinVar variation 1962382 (VCV001962382.5), dbSNP rs754720452, ClinGen allele CA952521.
Genomic context (GRCh38, chr1:92,837,484, plus strand): 5'-TCTATACTAAAATATGAATAACTTTATTTTAGTACCAAACGATTCCCTGGTTATGATTCT[G>C]AAAGCAAGGAATTTAATGCAGAAGTACATCGGAAGCACATCATGGGCCAGAATGTTGCAG-3'
Protein context (NP_000960.2, residues 176-196): STKRFPGYDS[Glu186Gln]SKEFNAEVHR

ClinVar aggregate classification (germline): Uncertain significance (1 of 4 stars; one submission).

Conditions:
Diamond-Blackfan anemia. Also called: Blackfan Diamond syndrome; Aregenerative anemia chronic congenital; Red cell aplasia, pure hereditary; Congenital hypoplastic anemia; Aase syndrome. Identifiers: Orphanet 124, MedGen C1260899, MeSH D029503, MONDO:0015253, HP:0004810.

Allele frequency attached by ClinVar (database versions not stated): ExAC 0.00001; TOPMed 0.00002.

Submission:

Labcorp Genetics (formerly Invitae), Labcorp
Classification: Uncertain significance for Diamond-Blackfan anemia. Last evaluated: 2025-11-10. Review status: criteria provided, single submitter. Criteria: Invitae Variant Classification Sherloc (09022015). Collection method: clinical testing. Allele origin: germline.
Comment: This sequence change replaces glutamic acid, which is acidic and polar, with glutamine, which is neutral and polar, at codon 186 of the RPL5 protein (p.Glu186Gln). This variant is present in population databases (rs754720452, gnomAD 0.003%). This variant has not been reported in the literature in individuals affected with RPL5-related conditions. ClinVar contains an entry for this variant (Variation ID: 1962382). Invitae Evidence Modeling of protein sequence and biophysical properties (such as structural, functional, and spatial information, amino acid conservation, physicochemical variation, residue mobility, and thermodynamic stability) indicates that this missense variant is expected to disrupt RPL5 protein function with a positive predictive value of 80%. In summary, the available evidence is currently insufficient to determine the role of this variant in disease. Therefore, it has been classified as a Variant of Uncertain Significance.